The following is an entry in ClinVar:

NM_015898.4(ZBTB7A):c.808G>A (p.Gly270Ser)

Gene: ZBTB7A (zinc finger and BTB domain containing 7A; minus strand). Cytogenetic location: 19p13.3.
Variant type: single nucleotide variant.
Coding change: c.808G>A on transcript NM_015898.4 (MANE Select); coding-DNA position 808, G replaced by A.
Protein change: p.Gly270Ser; replaces glycine 270 with serine.
Molecular consequence: missense variant.
Genome position (GRCh38, 1-based): chr19:4,054,425, C>T on the plus strand (G>A on the coding strand, the complement: ZBTB7A is on the minus strand). VCF-style: chr19-4054425-C-T. GRCh37 (hg19) VCF-style: chr19-4054423-C-T.
Other names: c.808G>A, p.Gly270Ser (NM_001317990.2); short protein forms G270S.
Identifiers: ClinVar variation 2572225 (VCV002572225.1), dbSNP rs2512275570, ClinGen allele CA403365636.

ClinVar aggregate classification (germline): Uncertain significance (1 of 4 stars; one submission).

Submission:

Greenwood Genetic Center Diagnostic Laboratories, Greenwood Genetic Center
Classification: Uncertain significance. Last evaluated: 2023-05-17. Review status: criteria provided, single submitter. Criteria: ACMG Guidelines, 2015. Collection method: clinical testing. Allele origin: germline. Affected: yes.
Comment: PM2